The following is an entry in ClinVar:

NM_000191.3(HMGCL):c.187C>T (p.Leu63Phe)

Gene: HMGCL (3-hydroxy-3-methylglutaryl-CoA lyase; minus strand). Cytogenetic location: 1p36.11.
Variant type: single nucleotide variant.
Coding change: c.187C>T on transcript NM_000191.3 (MANE Select); coding-DNA position 187, C replaced by T.
Protein change: p.Leu63Phe; replaces leucine 63 with phenylalanine.
Molecular consequence: missense variant.
Genome position (GRCh38, 1-based): chr1:23,817,541, G>A on the plus strand (C>T on the coding strand, the complement: HMGCL is on the minus strand). VCF-style: chr1-23817541-G-A. GRCh37 (hg19) VCF-style: chr1-24144031-G-A.
Other names: c.187C>T, p.Leu63Phe (NM_001166059.2); short protein forms L63F.
Identifiers: ClinVar variation 2133122 (VCV002133122.4), dbSNP rs2521459453, ClinGen allele CA339029234.

ClinVar aggregate classification (germline): Uncertain significance (1 of 4 stars; one submission).

Conditions:
Deficiency of hydroxymethylglutaryl-CoA lyase (HMGCLD). Also called: Defect in leucine metabolism; 3-hydroxy-3-methylglutaric aciduria; HMG-CoA LYASE DEFICIENCY; HMGCL DEFICIENCY; HYDROXYMETHYLGLUTARIC ACIDURIA. Identifiers: Orphanet 20, MedGen C1533587, MONDO:0009520, OMIM 246450.

Submission:

Labcorp Genetics (formerly Invitae), Labcorp
Classification: Uncertain significance for Deficiency of hydroxymethylglutaryl-CoA lyase. Last evaluated: 2024-02-05. Review status: criteria provided, single submitter. Criteria: Invitae Variant Classification Sherloc (09022015). Collection method: clinical testing. Allele origin: germline.
Comment: This sequence change replaces leucine, which is neutral and non-polar, with phenylalanine, which is neutral and non-polar, at codon 63 of the HMGCL protein (p.Leu63Phe). This variant is not present in population databases (gnomAD no frequency). This variant has not been reported in the literature in individuals affected with HMGCL-related conditions. ClinVar contains an entry for this variant (Variation ID: 2133122). Advanced modeling of protein sequence and biophysical properties (such as structural, functional, and spatial information, amino acid conservation, physicochemical variation, residue mobility, and thermodynamic stability) performed at Invitae indicates that this missense variant is expected to disrupt HMGCL protein function with a positive predictive value of 80%. In summary, the available evidence is currently insufficient to determine the role of this variant in disease. Therefore, it has been classified as a Variant of Uncertain Significance.